The following is an entry in ClinVar:

NM_002661.5(PLCG2):c.3029T>C (p.Val1010Ala)

Gene: PLCG2 (phospholipase C gamma 2; plus strand). Cytogenetic location: 16q23.3.
Variant type: single nucleotide variant.
Coding change: c.3029T>C on transcript NM_002661.5 (MANE Select); coding-DNA position 3029, T replaced by C.
Protein change: p.Val1010Ala; replaces valine 1010 with alanine.
Molecular consequence: missense variant.
Genome position (GRCh38, 1-based): chr16:81,936,355, T>C. VCF-style: chr16-81936355-T-C. GRCh37 (hg19) VCF-style: chr16-81969960-T-C.
Other names: short protein forms V1010A.
Identifiers: ClinVar variation 1369963 (VCV001369963.8), dbSNP rs1420258193, ClinGen allele CA396906212.
Genomic context (GRCh38, chr16:81,936,355, plus strand): 5'-AAAGAGTTGACTCTTCAAACTACGACCCCTTCCGCCTCTGGCTGTGCGGTTCTCAGATGG[T>C]GGCACTCAATTTCCAGACGGCAGGTAAAGGCCGACTGAAGGTAGTCCCGTCCCTGCAAGG-3'
Protein context (NP_002652.2, residues 1000-1020): FRLWLCGSQM[Val1010Ala]ALNFQTADKY

ClinVar aggregate classification (germline): Uncertain significance (1 of 4 stars; one submission).

Conditions:
Familial cold autoinflammatory syndrome 3 (FCAS3). Also called: FAMILIAL ATYPICAL COLD URTICARIA; ANTIBODY DEFICIENCY AND IMMUNE DYSREGULATION, PLCG2-ASSOCIATED. Identifiers: Orphanet 300359, MedGen C3280914, MONDO:0013766, OMIM 614468.

Allele frequency attached by ClinVar (database versions not stated): gnomAD exomes below 0.00001 and 0.00001.
gnomAD v4.1: 6 of 1,613,938 alleles (0.00037%); highest among the groups gnomAD compares: South Asian, 0.0011%; no homozygotes.

Submission:

Labcorp Genetics (formerly Invitae), Labcorp
Classification: Uncertain significance for Familial cold autoinflammatory syndrome 3. Last evaluated: 2022-03-03. Review status: criteria provided, single submitter. Criteria: Invitae Variant Classification Sherloc (09022015). Collection method: clinical testing. Allele origin: germline.
Comment: In summary, the available evidence is currently insufficient to determine the role of this variant in disease. Therefore, it has been classified as a Variant of Uncertain Significance. Algorithms developed to predict the effect of missense changes on protein structure and function output the following: SIFT: "Deleterious"; PolyPhen-2: "Possibly Damaging"; Align-GVGD: "Class C25". The alanine amino acid residue is found in multiple mammalian species, which suggests that this missense change does not adversely affect protein function. This variant has not been reported in the literature in individuals affected with PLCG2-related conditions. This variant is present in population databases (no rsID available, gnomAD 0.004%). This sequence change replaces valine, which is neutral and non-polar, with alanine, which is neutral and non-polar, at codon 1010 of the PLCG2 protein (p.Val1010Ala).